The following is an entry in ClinVar:

NM_058195.4(CDKN2A):c.4G>T (p.Val2Leu)

Gene: CDKN2A (cyclin dependent kinase inhibitor 2A; minus strand). Cytogenetic location: 9p21.3.
Variant type: single nucleotide variant.
Coding change: c.4G>T on transcript NM_058195.4 (MANE Plus Clinical); coding-DNA position 4, G replaced by T.
Protein change: p.Val2Leu; replaces valine 2 with leucine.
Molecular consequence: missense variant. On other transcripts: intron variant (1).
Genome position (GRCh38, 1-based): chr9:21,994,328, C>A on the plus strand (G>T on the coding strand, the complement: CDKN2A is on the minus strand). VCF-style: chr9-21994328-C-A. GRCh37 (hg19) VCF-style: chr9-21994327-C-A.
Other names: c.-4+493G>T (NM_001363763.2); short protein forms V2L.
Identifiers: ClinVar variation 1368143 (VCV001368143.2), dbSNP rs1820538120, ClinGen allele CA373087130.

ClinVar aggregate classification (germline): Uncertain significance (1 of 4 stars; one submission).

Conditions:
Familial melanoma. Also called: Hereditary melanoma; Hereditary cutaneous melanoma. Identifiers: Orphanet 618, MedGen C1512419, MONDO:0018961.

Submission:

Labcorp Genetics (formerly Invitae), Labcorp
Classification: Uncertain significance for Familial melanoma. Last evaluated: 2021-07-17. Review status: criteria provided, single submitter. Criteria: Invitae Variant Classification Sherloc (09022015). Collection method: clinical testing. Allele origin: germline.
Comment: This sequence change replaces valine with leucine at codon 2 of the CDKN2A (p14ARF) protein (p.Val2Leu). The valine residue is weakly conserved and there is a small physicochemical difference between valine and leucine. This variant is not present in population databases (ExAC no frequency). This variant has not been reported in the literature in individuals affected with CDKN2A (p14ARF)-related conditions. Algorithms developed to predict the effect of missense changes on protein structure and function (SIFT, PolyPhen-2, Align-GVGD) all suggest that this variant is likely to be tolerated. In summary, the available evidence is currently insufficient to determine the role of this variant in disease. Therefore, it has been classified as a Variant of Uncertain Significance.